The following is an entry in ClinVar:

ClinVar aggregate classification (germline): Pathogenic (1 of 4 stars; one submission).

Submission:

Labcorp Genetics (formerly Invitae), Labcorp
Classification: Pathogenic. Last evaluated: 2022-08-01. Review status: criteria provided, single submitter. Criteria: Invitae Variant Classification Sherloc (09022015). Collection method: clinical testing. Allele origin: germline.
Comment: For these reasons, this variant has been classified as Pathogenic. This variant disrupts a region of the MESP2 protein in which other variant(s) (p.Gly169Profs*199) have been determined to be pathogenic (PMID: 15122512, 18485326). This suggests that this is a clinically significant region of the protein, and that variants that disrupt it are likely to be disease-causing. ClinVar contains an entry for this variant (Variation ID: 1456533). This variant has not been reported in the literature in individuals affected with MESP2-related conditions. This variant is not present in population databases (gnomAD no frequency). This sequence change creates a premature translational stop signal (p.Pro110Alafs*258) in the MESP2 gene. While this is not anticipated to result in nonsense mediated decay, it is expected to disrupt the last 288 amino acid(s) of the MESP2 protein.

Literature cited by the submitters: PubMed 15122512; PubMed 18485326.

NM_001039958.2(MESP2):c.324_327dup (p.Pro110fs)

Genes: MESP2 (mesoderm posterior bHLH transcription factor 2; plus strand), LOC130057891 (ATAC-STARR-seq lymphoblastoid silent region 6806; plus strand). Cytogenetic location: 15q26.1.
Variant type: Duplication.
Coding change: c.324_327dup on transcript NM_001039958.2 (MANE Select); coding-DNA positions 324 to 327, 4 bases duplicated (GCCT; older notation c.324_327dupGCCT).
Protein change: p.Pro110fs; shifts the reading frame from proline 110.
Molecular consequence: frameshift variant.
Genome position (GRCh38, 1-based): chr15:89,776,681-89,776,684, GCCT duplicated; duplicating any 4 consecutive bases within chr15:89,776,679-89,776,684 gives the same sequence; the c. name uses the placement nearest the transcript's 3' end. VCF-style (leftmost placement, unchanged base first): chr15-89776678-T-TCTGC. GRCh37 (hg19) VCF-style: chr15-90319909-T-TCTGC.
Other names: short protein forms P110fs.
Identifiers: ClinVar variation 1456533 (VCV001456533.8), dbSNP rs2141774639, ClinGen allele CA2573151367.
Genomic context (GRCh38, chr15:89,776,678, plus strand): 5'-CGAGCGGGAGAAACTGCGCATGCGCACGCTGGCCCGCGCCCTGCACGAGTTGCGCCGCTT[T>TCTGC]CTGCCTCCCTCCTTGGCGCCGGCCGGCCAGAGCCTGACCAAGATCGAGACGCTGCGCCTG-3'